The following is an entry in ClinVar:

NM_004629.2(FANCG):c.1497_1498del (p.Cys499_Glu500delinsTer)

Gene: FANCG (FA complementation group G; minus strand). Cytogenetic location: 9p13.3.
Variant type: Microsatellite.
Coding change: c.1497_1498del on transcript NM_004629.2 (MANE Select); coding-DNA positions 1497 to 1498, 2 bases deleted (TG; older notation c.1497_1498delTG).
Protein change: p.Cys499_Glu500delinsTer.
Molecular consequence: nonsense.
Genome position (GRCh38, 1-based): chr9:35,075,065-35,075,066, CA deleted on the plus strand (TG on the coding strand, the reverse complement: FANCG is on the minus strand); deleting any 2 consecutive bases within chr9:35,075,065-35,075,068 gives the same sequence; the c. name uses the placement nearest the transcript's 3' end. VCF-style (leftmost placement, unchanged base first): chr9-35075064-TCA-T. GRCh37 (hg19) VCF-style: chr9-35075061-TCA-T.
Other names: c.1497_1498del (NM_004629.1).
Identifiers: ClinVar variation 3902009 (VCV003902009.2).
Genomic context (GRCh38, chr9:35,075,064, plus strand): 5'-CGACTAATTAGGGCGGCTGCCCGAAGCTGCTGCAGTGCCGCATCTGACTTACATCCCTGC[TCA>T]CAGTTGAAAGCTGCCCCTGGGGACCACTCCCAAAGTCAAGAAGTGTCTTCCCAGCCTCAC-3'

ClinVar aggregate classification (germline): Likely pathogenic. Review status: criteria provided, multiple submitters, no conflicts (2 of 4 stars). 2 submissions from 2 submitters: Likely pathogenic (2). Last evaluated 2025-09-24.

Conditions:
Fanconi anemia complementation group G. Also called: Fanconi anemia group G; FANCG-Related Fanconi Anemia. Identifiers: Orphanet 84, MedGen C3469527, MONDO:0013565, OMIM 614082.

Submissions (2):

Natera, Inc.
Classification: Likely pathogenic for Fanconi anemia group G. Last evaluated: 2025-09-24. Review status: criteria provided, single submitter. Criteria: Natera Variant Classification Schema (03/2026). Collection method: clinical testing. Allele origin: germline.
Comment: The c.1497_1498del variant in FANCG is a frameshift variant predicted to shift the reading frame and introduce a stop codon. This variant is expected to result in nonsense mediated decay, truncation, or a dysfunctional protein product. This variant is rare in the general population with a frequency below the threshold expected for the associated phenotype(s). Given the available evidence, this variant is classified as Likely Pathogenic.

Laboratorio de Genetica e Diagnostico Molecular, Hospital Israelita Albert Einstein
Classification: Likely pathogenic for Fanconi anemia complementation group G. Last evaluated: 2024-09-20. Review status: criteria provided, single submitter. Criteria: ACMG Guidelines, 2015. Collection method: clinical testing. Allele origin: germline. Affected: yes.
Comment: ACMG classification criteria: PVS1 very strong, PM2 supporting